The following is an entry in ClinVar:

ClinVar aggregate classification (germline): Uncertain significance (1 of 4 stars; one submission).

Submission:

Labcorp Genetics (formerly Invitae), Labcorp
Classification: Uncertain significance. Last evaluated: 2023-09-03. Review status: criteria provided, single submitter. Criteria: Invitae Variant Classification Sherloc (09022015). Collection method: clinical testing. Allele origin: germline.
Comment: In summary, the available evidence is currently insufficient to determine the role of this variant in disease. Therefore, it has been classified as a Variant of Uncertain Significance. Advanced modeling of protein sequence and biophysical properties (such as structural, functional, and spatial information, amino acid conservation, physicochemical variation, residue mobility, and thermodynamic stability) performed at Invitae indicates that this missense variant is expected to disrupt GATA5 protein function. This variant has not been reported in the literature in individuals affected with GATA5-related conditions. This variant is not present in population databases (gnomAD no frequency). This sequence change replaces methionine, which is neutral and non-polar, with threonine, which is neutral and polar, at codon 282 of the GATA5 protein (p.Met282Thr).

NM_080473.5(GATA5):c.845T>C (p.Met282Thr)

Gene: GATA5 (GATA binding protein 5; minus strand). Cytogenetic location: 20q13.33.
Variant type: single nucleotide variant.
Coding change: c.845T>C on transcript NM_080473.5 (MANE Select); coding-DNA position 845, T replaced by C.
Protein change: p.Met282Thr; replaces methionine 282 with threonine.
Molecular consequence: missense variant.
Genome position (GRCh38, 1-based): chr20:62,465,902, A>G on the plus strand (T>C on the coding strand, the complement: GATA5 is on the minus strand). VCF-style: chr20-62465902-A-G. GRCh37 (hg19) VCF-style: chr20-61040958-A-G.
Other names: short protein forms M282T.
Identifiers: ClinVar variation 2790588 (VCV002790588.3), dbSNP rs2516437770, ClinGen allele CA409553525.